The following is an entry in ClinVar:

NM_001113378.2(FANCI):c.3689A>T (p.Lys1230Met)

Gene: FANCI (FA complementation group I; plus strand). Cytogenetic location: 15q26.1.
Variant type: single nucleotide variant.
Coding change: c.3689A>T on transcript NM_001113378.2 (MANE Select); coding-DNA position 3689, A replaced by T.
Protein change: p.Lys1230Met; replaces lysine 1230 with methionine.
Molecular consequence: missense variant.
Genome position (GRCh38, 1-based): chr15:89,312,941, A>T. VCF-style: chr15-89312941-A-T. GRCh37 (hg19) VCF-style: chr15-89856172-A-T.
Other names: c.3410A>T, p.Lys1137Met (NM_001376910.1); c.3689A>T, p.Lys1230Met (NM_001376911.1); c.3509A>T, p.Lys1170Met (NM_018193.3); short protein forms K1170M, K1230M, K1137M.
Identifiers: ClinVar variation 2995226 (VCV002995226.3), dbSNP rs2508879176, ClinGen allele CA393742816.
Genomic context (GRCh38, chr15:89,312,941, plus strand): 5'-AGAATGTGTTTCTATTTCTTTAGAATAAGAGTAAGAGCCTGAACTATACGGGAGAGAAAA[A>T]GGAGAAACCTGCTGCCGTTGCCACAGCCATGGTAAGCTGCTGACACTGACCGTTAAAATA-3'
Protein context (NP_001106849.1, residues 1220-1240): SKSLNYTGEK[Lys1230Met]EKPAAVATAM

ClinVar aggregate classification (germline): Uncertain significance (1 of 4 stars; one submission).

Conditions:
Fanconi anemia (FA). Also called: Fanconi's anemia. Identifiers: Orphanet 84, MedGen C0015625, MeSH D005199, MONDO:0019391.

Allele frequency attached by ClinVar (database versions not stated): gnomAD exomes below 0.00001.
gnomAD v4.1: 1 of 1,613,996 alleles (0.000062%); highest among the groups gnomAD compares: Admixed American, 0.0017%; no homozygotes.

Submission:

Labcorp Genetics (formerly Invitae), Labcorp
Classification: Uncertain significance for Fanconi anemia. Last evaluated: 2024-01-29. Review status: criteria provided, single submitter. Criteria: Invitae Variant Classification Sherloc (09022015). Collection method: clinical testing. Allele origin: germline.
Comment: This sequence change replaces lysine, which is basic and polar, with methionine, which is neutral and non-polar, at codon 1230 of the FANCI protein (p.Lys1230Met). This variant is not present in population databases (gnomAD no frequency). This variant has not been reported in the literature in individuals affected with FANCI-related conditions. An algorithm developed to predict the effect of missense changes on protein structure and function (PolyPhen-2) suggests that this variant is likely to be disruptive. In summary, the available evidence is currently insufficient to determine the role of this variant in disease. Therefore, it has been classified as a Variant of Uncertain Significance.